The following is an entry in ClinVar:

ClinVar aggregate classification (germline): Uncertain significance (1 of 4 stars; one submission).

Conditions:
Long QT syndrome (LQTS). Identifiers: MedGen C0023976, MeSH D008133, MONDO:0002442. Disease mechanism: loss of function. Inheritance: Various modes of inheritance.

Submission:

Labcorp Genetics (formerly Invitae), Labcorp
Classification: Uncertain significance for Long QT syndrome. Last evaluated: 2025-02-17. Review status: criteria provided, single submitter. Criteria: Invitae Variant Classification Sherloc (09022015). Collection method: clinical testing. Allele origin: germline.
Comment: This sequence change replaces glutamic acid, which is acidic and polar, with lysine, which is basic and polar, at codon 1176 of the CACNA1C protein (p.Glu1176Lys). This variant is not present in population databases (gnomAD no frequency). This variant has not been reported in the literature in individuals affected with CACNA1C-related conditions. Invitae Evidence Modeling of protein sequence and biophysical properties (such as structural, functional, and spatial information, amino acid conservation, physicochemical variation, residue mobility, and thermodynamic stability) indicates that this missense variant is expected to disrupt CACNA1C protein function with a positive predictive value of 95%. In summary, the available evidence is currently insufficient to determine the role of this variant in disease. Therefore, it has been classified as a Variant of Uncertain Significance.

NM_000719.7(CACNA1C):c.3526G>A (p.Glu1176Lys)

Gene: CACNA1C (calcium voltage-gated channel subunit alpha1 C; plus strand). Cytogenetic location: 12p13.33.
Variant type: single nucleotide variant.
Coding change: c.3526G>A on transcript NM_000719.7 (MANE Select); coding-DNA position 3526, G replaced by A.
Protein change: p.Glu1176Lys; replaces glutamic acid 1176 with lysine.
Molecular consequence: missense variant.
Genome position (GRCh38, 1-based): chr12:2,608,680, G>A. VCF-style: chr12-2608680-G-A. GRCh37 (hg19) VCF-style: chr12-2717846-G-A.
Other names: c.3586G>A, p.Glu1196Lys (NM_001129827.2, NM_001129832.2, NM_199460.4); c.3526G>A, p.Glu1176Lys (NM_001129829.2, NM_001129830.3, NM_001129831.2 and 15 more transcripts); c.3517G>A, p.Glu1173Lys (NM_001129844.2); short protein forms E1176K, E1196K, E1173K.
Identifiers: ClinVar variation 4745781 (VCV004745781.1).